The following is an entry in ClinVar:

ClinVar aggregate classification (germline): Uncertain significance (1 of 4 stars; one submission).

Allele frequency attached by ClinVar (database versions not stated): gnomAD exomes below 0.00001.
gnomAD v4.1: 1 of 1,614,186 alleles (0.000062%); highest among the groups gnomAD compares: Non-Finnish European, 0.000085%; no homozygotes.

Submission:

GeneDx
Classification: Uncertain significance. Last evaluated: 2023-03-17. Review status: criteria provided, single submitter. Criteria: GeneDx Variant Classification Process June 2021. Collection method: clinical testing. Allele origin: germline. Affected: yes.
Comment: Not observed at significant frequency in large population cohorts (gnomAD); In silico analysis supports that this missense variant does not alter protein structure/function; Has not been previously published as pathogenic or benign to our knowledge

NM_005909.5(MAP1B):c.4111G>A (p.Glu1371Lys)

Gene: MAP1B (microtubule associated protein 1B; plus strand). Cytogenetic location: 5q13.2.
Variant type: single nucleotide variant.
Coding change: c.4111G>A on transcript NM_005909.5 (MANE Select); coding-DNA position 4111, G replaced by A.
Protein change: p.Glu1371Lys; replaces glutamic acid 1371 with lysine.
Molecular consequence: missense variant.
Genome position (GRCh38, 1-based): chr5:72,197,466, G>A. VCF-style: chr5-72197466-G-A. GRCh37 (hg19) VCF-style: chr5-71493293-G-A.
Other names: c.3733G>A, p.Glu1245Lys (NM_001324255.2); short protein forms E1245K, E1371K.
Identifiers: ClinVar variation 2579898 (VCV002579898.1), dbSNP rs2478578289, ClinGen allele CA360013869.